The following is an entry in ClinVar:

ClinVar aggregate classification (germline): Benign. Review status: reviewed by expert panel (3 of 4 stars). 2 submissions from 2 submitters: Benign (1). 1 of the submissions does not count toward it. Last evaluated 2015-01-12.

Conditions:
Breast-ovarian cancer, familial, susceptibility to, 1 (BROVCA1). Also called: BRCA1 Hereditary Breast and Ovarian Cancer; OVARIAN CANCER, SUSCEPTIBILITY TO. Identifiers: Orphanet 145, MedGen C2676676, MONDO:0011450, OMIM 604370. Disease mechanism: loss of function.

Allele frequency attached by ClinVar (database versions not stated): TOPMed 0.27257; gnomAD 0.28681 and 0.29515; 1000 Genomes Project 30x 0.31668; 1000 Genomes Project 0.32428.
gnomAD v4.1: 44,458 of 150,474 alleles (30%); highest among the groups gnomAD compares: South Asian, 49%; 7,132 homozygotes.

Submissions (2):

Evidence-based Network for the Interpretation of Germline Mutant Alleles (ENIGMA)
Classification: Benign for Breast-ovarian cancer, familial 1. Last evaluated: 2015-01-12. Review status: reviewed by expert panel. Criteria: ENIGMA BRCA1/2 Classification Criteria (2015). Collection method: curation. Allele origin: germline.
Comment: Class 1 not pathogenic based on frequency >1% in an outbred sampleset. Frequency 0.3304 (Asian), 0.128 (African), 0.3588 (European), derived from 1000 genomes (2012-04-30).

Breakthrough Genomics
Classification: Benign. Review status: criteria provided, single submitter. Criteria: ACMG Guidelines, 2015. Collection method: not provided. Allele origin: germline. Inheritance: Autosomal recessive inheritance. Affected: yes. Not counted in ClinVar's aggregate classification.

NM_007294.4(BRCA1):c.5193+1724C>A

Gene: BRCA1 (BRCA1 DNA repair associated; minus strand). Cytogenetic location: 17q21.31.
Variant type: single nucleotide variant.
Coding change: c.5193+1724C>A on transcript NM_007294.4 (MANE Select); 1724 bases into the intron after coding-DNA position 5193, C replaced by A.
Molecular consequence: intron variant.
Genome position (GRCh38, 1-based): chr17:43,061,609, G>T on the plus strand (C>A on the coding strand, the complement: BRCA1 is on the minus strand). VCF-style: chr17-43061609-G-T. GRCh37 (hg19) VCF-style: chr17-41213626-G-T.
Other names: IVS 19+1724C>A; c.1767+1724C>A (NM_001408420.1, NM_001408419.1, NM_001408418.1); c.1878+1724C>A (NM_001408404.1, NM_001408402.1, NM_001408473.1 and 8 more transcripts); c.1881+1724C>A (NM_001408472.1, NM_001407990.1, NM_007299.4 and 12 more transcripts); c.1884+1724C>A (NM_001407974.1, NM_001407973.1, NM_001407975.1 and 3 more transcripts); c.2586+1724C>A (NM_001407969.1); c.2589+1724C>A (NM_001407968.1); c.5187+1724C>A (NM_001407640.1, NM_001407631.1, NM_001407638.1 and 14 more transcripts); and 73 more.
Identifiers: ClinVar variation 209313 (VCV000209313.3), dbSNP rs8176269, ClinGen allele CA276285.